The following is an entry in ClinVar:

ClinVar aggregate classification (germline): Uncertain significance (1 of 4 stars; one submission).

Conditions:
Facioscapulohumeral muscular dystrophy 2 (FSHD2). Also called: MUSCULAR DYSTROPHY, FACIOSCAPULOHUMERAL, TYPE 1B; FACIOSCAPULOHUMERAL MUSCULAR DYSTROPHY 2, DIGENIC; FSHD2, DIGENIC. Identifiers: Orphanet 269, MedGen C1834671, MONDO:0008031, OMIM 158901.

gnomAD v4.1: 1 of 1,611,600 alleles (0.000062%); highest among the groups gnomAD compares: Non-Finnish European, 0.000085%; no homozygotes.

Submission:

Labcorp Genetics (formerly Invitae), Labcorp
Classification: Uncertain significance for Facioscapulohumeral muscular dystrophy 2. Last evaluated: 2021-09-08. Review status: criteria provided, single submitter. Criteria: Invitae Variant Classification Sherloc (09022015). Collection method: clinical testing. Allele origin: germline.
Comment: This sequence change replaces aspartic acid with histidine at codon 1884 of the SMCHD1 protein (p.Asp1884His). The aspartic acid residue is highly conserved and there is a moderate physicochemical difference between aspartic acid and histidine. This variant is not present in population databases (ExAC no frequency). This variant has not been reported in the literature in individuals affected with SMCHD1-related conditions. Algorithms developed to predict the effect of missense changes on protein structure and function are either unavailable or do not agree on the potential impact of this missense change (SIFT: "Deleterious"; PolyPhen-2: "Probably Damaging"; Align-GVGD: "Class C0"). In summary, the available evidence is currently insufficient to determine the role of this variant in disease. Therefore, it has been classified as a Variant of Uncertain Significance.

NM_015295.3(SMCHD1):c.5650G>C (p.Asp1884His)

Gene: SMCHD1 (structural maintenance of chromosomes flexible hinge domain containing 1; plus strand). Cytogenetic location: 18p11.32.
Variant type: single nucleotide variant.
Coding change: c.5650G>C on transcript NM_015295.3 (MANE Select); coding-DNA position 5650, G replaced by C.
Protein change: p.Asp1884His; replaces aspartic acid 1884 with histidine.
Molecular consequence: missense variant.
Genome position (GRCh38, 1-based): chr18:2,784,552, G>C. VCF-style: chr18-2784552-G-C. GRCh37 (hg19) VCF-style: chr18-2784550-G-C.
Other names: short protein forms D1884H.
Identifiers: ClinVar variation 1373263 (VCV001373263.6), dbSNP rs2143815414, ClinGen allele CA401688771.